The following is an entry in ClinVar:

ClinVar aggregate classification (germline): Uncertain significance (1 of 4 stars; one submission).

Conditions:
Neuroblastoma, susceptibility to, 3. Also called: ALK-Related Neuroblastic Tumor Susceptibility. Identifiers: Orphanet 635, MedGen C2751681, MONDO:0013083, OMIM 613014.

gnomAD v4.1: 1 of 1,339,616 alleles (0.000075%); highest among the groups gnomAD compares: African/African-American, 0.0015%; no homozygotes.

Submission:

Labcorp Genetics (formerly Invitae), Labcorp
Classification: Uncertain significance for Neuroblastoma, susceptibility to, 3. Last evaluated: 2025-02-18. Review status: criteria provided, single submitter. Criteria: Invitae Variant Classification Sherloc (09022015). Collection method: clinical testing. Allele origin: germline.
Comment: This sequence change replaces lysine, which is basic and polar, with asparagine, which is neutral and polar, at codon 911 of the ALK protein (p.Lys911Asn). This variant is not present in population databases (gnomAD no frequency). This variant has not been reported in the literature in individuals affected with ALK-related conditions. An algorithm developed to predict the effect of missense changes on protein structure and function (PolyPhen-2) suggests that this variant is likely to be disruptive. In summary, the available evidence is currently insufficient to determine the role of this variant in disease. Therefore, it has been classified as a Variant of Uncertain Significance.

NM_004304.5(ALK):c.2733G>T (p.Lys911Asn)

Gene: ALK (ALK receptor tyrosine kinase; minus strand). Cytogenetic location: 2p23.2.
Variant type: single nucleotide variant.
Coding change: c.2733G>T on transcript NM_004304.5 (MANE Select); coding-DNA position 2733, G replaced by T.
Protein change: p.Lys911Asn; replaces lysine 911 with asparagine.
Molecular consequence: missense variant.
Genome position (GRCh38, 1-based): chr2:29,228,966, C>A on the plus strand (G>T on the coding strand, the complement: ALK is on the minus strand). VCF-style: chr2-29228966-C-A. GRCh37 (hg19) VCF-style: chr2-29451832-C-A.
Other names: short protein forms K911N.
Identifiers: ClinVar variation 4713326 (VCV004713326.1).